The following is an entry in ClinVar:

NC_000002.11:g.(?_215645274)_(215674293_?)del

Gene: BARD1 (BRCA1 associated RING domain 1; minus strand). Cytogenetic location: 2q35.
Variant type: Deletion.
Identifiers: ClinVar variation 1070149 (VCV001070149.2).

ClinVar aggregate classification (germline): Pathogenic (1 of 4 stars; one submission).

Conditions:
Familial cancer of breast. Also called: hereditary breast carcinoma; BREAST CANCER, FAMILIAL; Hereditary breast cancer. Identifiers: Orphanet 227535, MedGen C0346153, MONDO:0016419, OMIM 114480. Disease mechanism: loss of function.

Submission:

Labcorp Genetics (formerly Invitae), Labcorp
Classification: Pathogenic for Familial cancer of breast. Last evaluated: 2020-10-08. Review status: criteria provided, single submitter. Criteria: Invitae Variant Classification Sherloc (09022015). Collection method: clinical testing. Allele origin: germline.
Comment: This variant is a gross deletion of the genomic region encompassing exons 1-4 of the BARD1 gene, which includes the initiator codon. The 5' end of this event is unknown as it extends beyond the assayed region for this gene and therefore may encompass additional genes. The 3' boundary is likely confined to intron 4 of the BARD1 gene. This is expected to result in an absent or disrupted protein product. This variant has not been reported in the literature in individuals with BARD1-related conditions. Loss-of-function variants in BARD1 are known to be pathogenic (PMID: 20077502, 21344236). For these reasons, this variant has been classified as Pathogenic.

Literature cited by the submitters: PubMed 20077502; PubMed 21344236.